The following is an entry in ClinVar:

NM_002838.5(PTPRC):c.920A>G (p.Gln307Arg)

Gene: PTPRC (protein tyrosine phosphatase receptor type C; plus strand). Cytogenetic location: 1q32.1.
Variant type: single nucleotide variant.
Coding change: c.920A>G on transcript NM_002838.5 (MANE Select); coding-DNA position 920, A replaced by G.
Protein change: p.Gln307Arg; replaces glutamine 307 with arginine.
Molecular consequence: missense variant.
Genome position (GRCh38, 1-based): chr1:198,708,148, A>G. VCF-style: chr1-198708148-A-G. GRCh37 (hg19) VCF-style: chr1-198677277-A-G.
Other names: c.437A>G, p.Gln146Arg (NM_080921.4); c.914A>G (NM_002838.3); short protein forms Q307R, Q146R.
Identifiers: ClinVar variation 533061 (VCV000533061.7), dbSNP rs1553239425, ClinGen allele CA344034421.
Genomic context (GRCh38, chr1:198,708,148, plus strand): 5'-CATTATGAAATACTAATCAAGTTTATTTCTGTATCTTCTTGTCAGGGGTTGAAAAGTTTC[A>G]GTTACATGATTGTACACAAGTTGAAAAAGCAGATACTACTATTTGTTTAAAATGGAAAAA-3'
Protein context (NP_002829.3, residues 297-317): LDVPPGVEKF[Gln307Arg]LHDCTQVEKA

ClinVar aggregate classification (germline): Uncertain significance. Review status: criteria provided, multiple submitters, no conflicts (2 of 4 stars). 2 submissions from 2 submitters: Uncertain significance (2). Last evaluated 2025-09-26.

Conditions:
Immunodeficiency 104. Also called: Severe combined immunodeficiency, autosomal recessive, T cell-negative, B cell-positive, NK cell-positive; SCID, AUTOSOMAL RECESSIVE, T CELL-NEGATIVE, B CELL-POSITIVE, NK CELL-POSITIVE; Severe Combined Immune Deficiency, Autosomal Recessive, TCell -Negative, B Cell-Positive, NK Cell-Positive, IL7R-Related; IMMUNODEFICIENCY 104, SEVERE COMBINED. Identifiers: MedGen C5676890, MONDO:0012163, OMIM 608971.
Inborn genetic diseases. Identifiers: MedGen C0950123, MeSH D030342.

Allele frequency attached by ClinVar (database versions not stated): gnomAD exomes below 0.00001.
gnomAD v4.1: 1 of 1,606,244 alleles (0.000062%); highest among the groups gnomAD compares: Admixed American, 0.0017%; no homozygotes.

Submissions (2):

Ambry Genetics
Classification: Uncertain significance for Inborn genetic diseases. Last evaluated: 2025-09-26. Review status: criteria provided, single submitter. Criteria: Ambry Variant Classification Scheme 2023. Collection method: clinical testing. Allele origin: germline.

Labcorp Genetics (formerly Invitae), Labcorp
Classification: Uncertain significance for Immunodeficiency 104. Last evaluated: 2021-08-28. Review status: criteria provided, single submitter. Criteria: Invitae Variant Classification Sherloc (09022015). Collection method: clinical testing. Allele origin: germline.
Comment: This sequence change replaces glutamine with arginine at codon 307 of the PTPRC protein (p.Gln307Arg). The glutamine residue is weakly conserved and there is a small physicochemical difference between glutamine and arginine. This variant is not present in population databases (ExAC no frequency). This variant has not been reported in the literature in individuals affected with PTPRC-related conditions. Algorithms developed to predict the effect of missense changes on protein structure and function output the following: SIFT: "Tolerated"; PolyPhen-2: "Benign"; Align-GVGD: "Class C0". The arginine amino acid residue is found in multiple mammalian species, which suggests that this missense change does not adversely affect protein function. In summary, the available evidence is currently insufficient to determine the role of this variant in disease. Therefore, it has been classified as a Variant of Uncertain Significance.